The following is an entry in ClinVar:

NM_006121.4(KRT1):c.1510+1G>T

Gene: KRT1 (keratin 1; minus strand). Cytogenetic location: 12q13.13.
Variant type: single nucleotide variant.
Coding change: c.1510+1G>T on transcript NM_006121.4 (MANE Select); the canonical splice donor site of the intron after coding-DNA position 1510, G replaced by T.
Molecular consequence: splice donor variant.
Genome position (GRCh38, 1-based): chr12:52,675,709, C>A on the plus strand (G>T on the coding strand, the complement: KRT1 is on the minus strand). VCF-style: chr12-52675709-C-A. GRCh37 (hg19) VCF-style: chr12-53069493-C-A.
Identifiers: ClinVar variation 667253 (VCV000667253.4), dbSNP rs1429588463, ClinGen allele CA384961592.

ClinVar aggregate classification (germline): Uncertain significance (1 of 4 stars; one submission).

Submission:

Laboratory for Molecular Medicine, Mass General Brigham Personalized Medicine
Classification: Uncertain significance. Last evaluated: 2018-08-29. Review status: criteria provided, single submitter. Criteria: LMM Criteria. Collection method: clinical testing. Allele origin: germline. Observed: 1 variant allele.
Comment: Variant classified as Uncertain Significance - Favor Pathogenic. The c.1510+1G>T variant in KRT1 was absent from large population studies and has not been previ ously reported in the literature. This variant occurs in the invariant region (+ /- 1) of the splice consensus sequence and is predicted to cause altered splicin g leading to an abnormal or absent protein. Both missense and loss of function v ariants in the KRT1 gene have been associated with epidermolytic hyperkeratosis in the heterozygous state; however, no pathogenic variant have been reported in exon 8. In summary, while there is some suspicion for a pathogenic role, the cli nical significance of the c.1510+1G>T variant is uncertain. ACMG/AMP Criteria ap plied: PM2, PM4.